The following is an entry in ClinVar:

ClinVar aggregate classification (germline): Uncertain significance (1 of 4 stars; one submission).

Allele frequency attached by ClinVar (database versions not stated): ExAC 0.00001; TOPMed 0.00002; gnomAD exomes 0.00002.

Submission:

Labcorp Genetics (formerly Invitae), Labcorp
Classification: Uncertain significance. Last evaluated: 2022-07-19. Review status: criteria provided, single submitter. Criteria: Invitae Variant Classification Sherloc (09022015). Collection method: clinical testing. Allele origin: germline.
Comment: In summary, the available evidence is currently insufficient to determine the role of this variant in disease. Therefore, it has been classified as a Variant of Uncertain Significance. Algorithms developed to predict the effect of missense changes on protein structure and function (SIFT, PolyPhen-2, Align-GVGD) all suggest that this variant is likely to be tolerated. ClinVar contains an entry for this variant (Variation ID: 1017265). This variant has not been reported in the literature in individuals affected with CABP4-related conditions. This variant is present in population databases (rs770541032, gnomAD 0.007%). This sequence change replaces arginine, which is basic and polar, with cysteine, which is neutral and slightly polar, at codon 18 of the CABP4 protein (p.Arg18Cys).

NM_145200.5(CABP4):c.52C>T (p.Arg18Cys)

Gene: CABP4 (calcium binding protein 4; plus strand). Cytogenetic location: 11q13.2.
Variant type: single nucleotide variant.
Coding change: c.52C>T on transcript NM_145200.5 (MANE Select); coding-DNA position 52, C replaced by T.
Protein change: p.Arg18Cys; replaces arginine 18 with cysteine.
Molecular consequence: missense variant. On other transcripts: 5 prime UTR variant (2), non-coding transcript variant (1), intron variant (1).
Genome position (GRCh38, 1-based): chr11:67,455,475, C>T. VCF-style: chr11-67455475-C-T. GRCh37 (hg19) VCF-style: chr11-67222946-C-T.
Other names: c.-332C>T (NM_001300895.3); c.-346C>T (NM_001379183.1); c.-112-234C>T (NM_001300896.3); short protein forms R18C.
Identifiers: ClinVar variation 1017265 (VCV001017265.9), dbSNP rs770541032, ClinGen allele CA6140056.
Genomic context (GRCh38, chr11:67,455,475, plus strand): 5'-CCCTCCCCCATGACCACAGAGCAGGCAAGGGGGCAGCAGGGCCCAAATCTGGCCATTGGC[C>T]GTCAGAAGCCCCCTGCGGGGGTTGTGACTCCCAAGAGTGATGCAGAGGAGCCCCCGTTGA-3'
Protein context (NP_660201.1, residues 8-28): GQQGPNLAIG[Arg18Cys]QKPPAGVVTP